The following is an entry in ClinVar:

ClinVar aggregate classification (germline): Uncertain significance (1 of 4 stars; one submission).

Conditions:
Cardiovascular phenotype. Identifiers: MedGen CN230736.

gnomAD v4.1: 6 of 1,337,852 alleles (0.00045%); highest among the groups gnomAD compares: Middle Eastern, 0.056%; no homozygotes.

Submission:

Ambry Genetics
Classification: Uncertain significance for Cardiovascular phenotype. Last evaluated: 2025-07-11. Review status: criteria provided, single submitter. Criteria: Ambry Variant Classification Scheme 2023. Collection method: clinical testing. Allele origin: germline.
Comment: The c.-2C>A variant is located in the 5' untranslated region (5&rsquo;UTR) of the FOXE3 gene. This variant results from a C to A substitution 2 nucleotides upstream from the first translated codon. This nucleotide position is well conserved in available vertebrate species. Based on the available evidence, the clinical significance of this variant remains unclear.

NM_012186.3(FOXE3):c.-2C>A

Genes: FOXE3 (forkhead box E3; plus strand), LINC01389 (long intergenic non-protein coding RNA 1389; minus strand). Cytogenetic location: 1p33.
Variant type: single nucleotide variant.
Coding change: c.-2C>A on transcript NM_012186.3 (MANE Select); 2 bases upstream of the start codon, C replaced by A.
Molecular consequence: 5 prime UTR variant.
Genome position (GRCh38, 1-based): chr1:47,416,314, C>A. VCF-style: chr1-47416314-C-A. GRCh37 (hg19) VCF-style: chr1-47881986-C-A.
Identifiers: ClinVar variation 4259169 (VCV004259169.1).